The following is an entry in ClinVar:

ClinVar aggregate classification (germline): Benign. Review status: criteria provided, multiple submitters, no conflicts (2 of 4 stars). 6 submissions from 6 submitters: Benign (6). Last evaluated 2026-09-01.

Conditions:
Inborn genetic diseases. Identifiers: MedGen C0950123, MeSH D030342.
Coffin-Siris syndrome 1 (CSS1). Also called: ARID1B-Related Coffin-Siris Syndrome; Mental retardation, autosomal dominant 12. Identifiers: Orphanet 1465, MedGen C3281201, MONDO:0007617, OMIM 135900. Disease mechanism: gain of function.

Allele frequency attached by ClinVar (database versions not stated): 1000 Genomes Project 30x 0.00625; 1000 Genomes Project 0.00639; TOPMed 0.00783; gnomAD 0.00799 and 0.00807; ESP Exome Variant Server 0.00823; gnomAD exomes 0.00991; ExAC 0.01006.
gnomAD v4.1: 15,121 of 1,614,160 alleles (0.94%); highest among the groups gnomAD compares: Middle Eastern, 2.1%; 109 homozygotes.

Submissions (6):

CeGaT Center for Human Genetics Tuebingen
Classification: Benign. Last evaluated: 2026-09-01. Review status: criteria provided, single submitter. Criteria: CeGaT Center For Human Genetics Tuebingen Variant Classification Criteria Version 2. Collection method: clinical testing. Allele origin: germline. Affected: yes. Observed: 94 variant alleles.
Comment: ARID1B: BP4, BS1, BS2

Labcorp Genetics (formerly Invitae), Labcorp
Classification: Benign. Last evaluated: 2026-02-03. Review status: criteria provided, single submitter. Criteria: Invitae Variant Classification Sherloc (09022015). Collection method: clinical testing. Allele origin: germline.

Genome-Nilou Lab
Classification: Benign for Coffin-Siris syndrome 1. Last evaluated: 2021-07-15. Review status: criteria provided, single submitter. Criteria: ACMG Guidelines, 2015. Collection method: clinical testing. Allele origin: germline. Affected: no.

GeneDx
Classification: Benign. Last evaluated: 2020-09-15. Review status: criteria provided, single submitter. Criteria: GeneDx Variant Classification Process June 2021. Collection method: clinical testing. Allele origin: germline. Affected: yes.

Ambry Genetics
Classification: Benign for Inborn genetic diseases. Last evaluated: 2016-05-15. Review status: criteria provided, single submitter. Criteria: Ambry Variant Classification Scheme 2023. Collection method: clinical testing. Allele origin: germline.

Genetic Services Laboratory, University of Chicago
Classification: Benign. Last evaluated: 2015-10-23. Review status: criteria provided, single submitter. Criteria: ACMG Guidelines, 2015. Collection method: clinical testing. Allele origin: germline. Affected: no.

NM_001374828.1(ARID1B):c.6291C>T (p.Ile2097=)

Gene: ARID1B (AT-rich interaction domain 1B; plus strand). Cytogenetic location: 6q25.3.
Variant type: single nucleotide variant.
Coding change: c.6291C>T on transcript NM_001374828.1 (MANE Select); coding-DNA position 6291, C replaced by T.
Protein change: p.Ile2097=; no amino-acid change (isoleucine 2097 retained).
Molecular consequence: synonymous variant.
Genome position (GRCh38, 1-based): chr6:157,207,063, C>T. VCF-style: chr6-157207063-C-T. GRCh37 (hg19) VCF-style: chr6-157528197-C-T.
Other names: c.5922C>T, p.Ile1974= (NM_020732.3); c.3792C>T, p.Ile1264= (NM_001363725.2); c.6171C>T, p.Ile2057= (NM_001371656.1, NM_001374820.1); c.6132C>T, p.Ile2044= (NM_017519.3).
Identifiers: ClinVar variation 126336 (VCV000126336.50), dbSNP rs112703040, ClinGen allele CA151068.